The following is an entry in ClinVar:

NM_000127.3(EXT1):c.1321A>G (p.Asn441Asp)

Gene: EXT1 (exostosin glycosyltransferase 1; minus strand). Cytogenetic location: 8q24.11.
Variant type: single nucleotide variant.
Coding change: c.1321A>G on transcript NM_000127.3 (MANE Select); coding-DNA position 1321, A replaced by G.
Protein change: p.Asn441Asp; replaces asparagine 441 with aspartic acid.
Molecular consequence: missense variant.
Genome position (GRCh38, 1-based): chr8:117,822,561, T>C on the plus strand (A>G on the coding strand, the complement: EXT1 is on the minus strand). VCF-style: chr8-117822561-T-C. GRCh37 (hg19) VCF-style: chr8-118834800-T-C.
Other names: short protein forms N441D.
Identifiers: ClinVar variation 2105997 (VCV002105997.4), dbSNP rs2488113846, ClinGen allele CA371888018.

ClinVar aggregate classification (germline): Uncertain significance (1 of 4 stars; one submission).

Conditions:
Multiple congenital exostosis (EXT). Also called: Multiple exostoses; MULTIPLE CARTILAGINOUS EXOSTOSES; Hereditary multiple exostoses; Hereditary multiple exostosis; Multiple osteochondromas; Hereditary multiple osteochondromas. Identifiers: Orphanet 321, MedGen C0015306, MONDO:0005508, HP:0002762.

Submission:

Labcorp Genetics (formerly Invitae), Labcorp
Classification: Uncertain significance for Multiple congenital exostosis. Last evaluated: 2022-07-19. Review status: criteria provided, single submitter. Criteria: Invitae Variant Classification Sherloc (09022015). Collection method: clinical testing. Allele origin: germline.
Comment: This variant is not present in population databases (gnomAD no frequency). Advanced modeling of protein sequence and biophysical properties (such as structural, functional, and spatial information, amino acid conservation, physicochemical variation, residue mobility, and thermodynamic stability) performed at Invitae indicates that this missense variant is not expected to disrupt EXT1 protein function. This variant has not been reported in the literature in individuals affected with EXT1-related conditions. This sequence change replaces asparagine, which is neutral and polar, with aspartic acid, which is acidic and polar, at codon 441 of the EXT1 protein (p.Asn441Asp). In summary, the available evidence is currently insufficient to determine the role of this variant in disease. Therefore, it has been classified as a Variant of Uncertain Significance.